The following is an entry in ClinVar:

NM_003072.5(SMARCA4):c.341A>T (p.Asp114Val)

Gene: SMARCA4 (SWI/SNF related BAF chromatin remodeling complex subunit ATPase 4; plus strand). Cytogenetic location: 19p13.2.
Variant type: single nucleotide variant.
Coding change: c.341A>T on transcript NM_003072.5 (MANE Select); coding-DNA position 341, A replaced by T.
Protein change: p.Asp114Val; replaces aspartic acid 114 with valine.
Molecular consequence: missense variant. On other transcripts: non-coding transcript variant (1).
Genome position (GRCh38, 1-based): chr19:10,985,391, A>T. VCF-style: chr19-10985391-A-T. GRCh37 (hg19) VCF-style: chr19-11096067-A-T.
Other names: c.341A>T, p.Asp114Val (NM_001128844.3, NM_001128845.2, NM_001128846.2 and 6 more transcripts); short protein forms D114V.
Identifiers: ClinVar variation 5029810 (VCV005029810.1).

ClinVar aggregate classification (germline): Uncertain significance (1 of 4 stars; one submission).

Conditions:
Hereditary cancer-predisposing syndrome. Also called: Neoplastic Syndromes, Hereditary; Tumor predisposition; Hereditary neoplastic syndrome; Hereditary Cancer Syndrome. Identifiers: Orphanet 140162, MedGen C0027672, MeSH D009386, MONDO:0015356.

Submission:

Ambry Genetics
Classification: Uncertain significance for Hereditary cancer-predisposing syndrome. Last evaluated: 2026-06-15. Review status: criteria provided, single submitter. Criteria: Ambry Variant Classification Scheme 2023. Collection method: clinical testing. Allele origin: germline.
Comment: The p.D114V variant (also known as c.341A>T), located in coding exon 2 of the SMARCA4 gene, results from an A to T substitution at nucleotide position 341. The aspartic acid at codon 114 is replaced by valine, an amino acid with highly dissimilar properties. This amino acid position is conserved. In addition, this alteration is predicted to be deleterious by in silico analysis. Based on the available evidence, the clinical significance of this variant remains unclear.